The following is an entry in ClinVar:

ClinVar aggregate classification (germline): Uncertain significance (1 of 4 stars; one submission).

Conditions:
Cardiovascular phenotype. Identifiers: MedGen CN230736.

Submission:

Ambry Genetics
Classification: Uncertain significance for Cardiovascular phenotype. Last evaluated: 2026-07-09. Review status: criteria provided, single submitter. Criteria: Ambry Variant Classification Scheme 2023. Collection method: clinical testing. Allele origin: germline.
Comment: The p.K876R variant (also known as c.2627A>G), located in coding exon 16 of the CBL gene, results from an A to G substitution at nucleotide position 2627. The lysine at codon 876 is replaced by arginine, an amino acid with highly similar properties. This amino acid position is conserved. In addition, the in silico prediction for this alteration is inconclusive. Based on the available evidence, the clinical significance of this variant remains unclear.

NM_005188.4(CBL):c.2627A>G (p.Lys876Arg)

Gene: CBL (Cbl proto-oncogene; plus strand). Cytogenetic location: 11q23.3.
Variant type: single nucleotide variant.
Coding change: c.2627A>G on transcript NM_005188.4 (MANE Select); coding-DNA position 2627, A replaced by G.
Protein change: p.Lys876Arg; replaces lysine 876 with arginine.
Molecular consequence: missense variant.
Genome position (GRCh38, 1-based): chr11:119,299,687, A>G. VCF-style: chr11-119299687-A-G. GRCh37 (hg19) VCF-style: chr11-119170397-A-G.
Other names: short protein forms K876R.
Identifiers: ClinVar variation 5033737 (VCV005033737.1).